The following is an entry in ClinVar:

ClinVar aggregate classification (germline): Likely benign (1 of 4 stars; one submission).

gnomAD v4.1: 3 of 1,614,070 alleles (0.00019%); highest among the groups gnomAD compares: South Asian, 0.0033%; no homozygotes.

Submission:

GeneDx
Classification: Likely benign. Last evaluated: 2025-02-11. Review status: criteria provided, single submitter. Criteria: GeneDx Variant Classification Process June 2021. Collection method: clinical testing. Allele origin: germline. Affected: yes.
Comment: See Variant Classification Assertion Criteria.

NM_018026.4(PACS1):c.2602C>A (p.Gln868Lys)

Gene: PACS1 (phosphofurin acidic cluster sorting protein 1; plus strand). Cytogenetic location: 11q13.2.
Variant type: single nucleotide variant.
Coding change: c.2602C>A on transcript NM_018026.4 (MANE Select); coding-DNA position 2602, C replaced by A.
Protein change: p.Gln868Lys; replaces glutamine 868 with lysine.
Molecular consequence: missense variant.
Genome position (GRCh38, 1-based): chr11:66,241,599, C>A. VCF-style: chr11-66241599-C-A. GRCh37 (hg19) VCF-style: chr11-66009070-C-A.
Other names: short protein forms Q868K.
Identifiers: ClinVar variation 4074415 (VCV004074415.1).
Genomic context (GRCh38, chr11:66,241,599, plus strand): 5'-ACCCTCAAGAGTGTCTTCCGCTCAGTGCAGGTGTCCCGCCTGCCCCATAGTGGGGAGGCC[C>A]AGCTTTCTGGCACCATGGCCATGACTGTGGTCACCAAAGAAAAGAACAAGAAAGGTAAGT-3'
Protein context (NP_060496.2, residues 858-878): VSRLPHSGEA[Gln868Lys]LSGTMAMTVV